The following is an entry in ClinVar:

NM_000208.4(INSR):c.4043C>T (p.Ser1348Leu)

Gene: INSR (insulin receptor; minus strand). Cytogenetic location: 19p13.2.
Variant type: single nucleotide variant.
Coding change: c.4043C>T on transcript NM_000208.4 (MANE Select); coding-DNA position 4043, C replaced by T.
Protein change: p.Ser1348Leu; replaces serine 1348 with leucine.
Molecular consequence: missense variant.
Genome position (GRCh38, 1-based): chr19:7,117,162, G>A on the plus strand (C>T on the coding strand, the complement: INSR is on the minus strand). VCF-style: chr19-7117162-G-A. GRCh37 (hg19) VCF-style: chr19-7117173-G-A.
Other names: c.4007C>T, p.Ser1336Leu (NM_001079817.3); short protein forms S1336L, S1348L.
Identifiers: ClinVar variation 4696829 (VCV004696829.1).

ClinVar aggregate classification (germline): Uncertain significance (1 of 4 stars; one submission).

gnomAD v4.1: 14 of 1,613,898 alleles (0.00087%); highest among the groups gnomAD compares: African/African-American, 0.008%; no homozygotes.

Submission:

Labcorp Genetics (formerly Invitae), Labcorp
Classification: Uncertain significance. Last evaluated: 2025-03-30. Review status: criteria provided, single submitter. Criteria: Invitae Variant Classification Sherloc (09022015). Collection method: clinical testing. Allele origin: germline.
Comment: This sequence change replaces serine, which is neutral and polar, with leucine, which is neutral and non-polar, at codon 1348 of the INSR protein (p.Ser1348Leu). This variant is present in population databases (rs764041031, gnomAD 0.01%). This variant has not been reported in the literature in individuals affected with INSR-related conditions. Invitae Evidence Modeling of protein sequence and biophysical properties (such as structural, functional, and spatial information, amino acid conservation, physicochemical variation, residue mobility, and thermodynamic stability) indicates that this missense variant is not expected to disrupt INSR protein function with a negative predictive value of 95%. In summary, the available evidence is currently insufficient to determine the role of this variant in disease. Therefore, it has been classified as a Variant of Uncertain Significance.